The following is an entry in ClinVar:

NM_178857.6(RP1L1):c.342T>G (p.Ser114Arg)

Gene: RP1L1 (RP1 like 1). Cytogenetic location: 8p23.1.
Variant type: single nucleotide variant.
Coding change: c.342T>G on transcript NM_178857.6 (MANE Select); coding-DNA position 342, T replaced by G.
Protein change: p.Ser114Arg; replaces serine 114 with arginine.
Molecular consequence: missense variant.
Genome position (GRCh38, 1-based): chr8:10,622,860, A>C on the plus strand (T>G on the coding strand, the complement: RP1L1 is on the minus strand). VCF-style: chr8-10622860-A-C. GRCh37 (hg19) VCF-style: chr8-10480370-A-C.
Other names: short protein forms S114R.
Identifiers: ClinVar variation 2873474 (VCV002873474.3), dbSNP rs777533649, ClinGen allele CA171954781.

ClinVar aggregate classification (germline): Uncertain significance (1 of 4 stars; one submission).

Allele frequency attached by ClinVar (database versions not stated): gnomAD 0.00001.
gnomAD v4.1: 4 of 1,612,746 alleles (0.00025%); highest among the groups gnomAD compares: Non-Finnish European, 0.00034%; no homozygotes.

Submission:

Labcorp Genetics (formerly Invitae), Labcorp
Classification: Uncertain significance. Last evaluated: 2023-08-03. Review status: criteria provided, single submitter. Criteria: Invitae Variant Classification Sherloc (09022015). Collection method: clinical testing. Allele origin: germline.
Comment: In summary, the available evidence is currently insufficient to determine the role of this variant in disease. Therefore, it has been classified as a Variant of Uncertain Significance. Advanced modeling of protein sequence and biophysical properties (such as structural, functional, and spatial information, amino acid conservation, physicochemical variation, residue mobility, and thermodynamic stability) performed at Invitae indicates that this missense variant is not expected to disrupt RP1L1 protein function. This variant has not been reported in the literature in individuals affected with RP1L1-related conditions. This variant is present in population databases (no rsID available, gnomAD 0.0009%). This sequence change replaces serine, which is neutral and polar, with arginine, which is basic and polar, at codon 114 of the RP1L1 protein (p.Ser114Arg).